The following is an entry in ClinVar:

NM_001034853.2(RPGR):c.2188_2189dup (p.Gly731fs)

Gene: RPGR (retinitis pigmentosa GTPase regulator; minus strand). Cytogenetic location: Xp11.4.
Variant type: Duplication.
Coding change: c.2188_2189dup on transcript NM_001034853.2 (MANE Select); coding-DNA positions 2188 to 2189, 2 bases duplicated (GG; older notation c.2188_2189dupGG).
Protein change: p.Gly731fs; shifts the reading frame from glycine 731.
Molecular consequence: frameshift variant. On other transcripts: intron variant (8).
Genome position (GRCh38, 1-based): chrX:38,286,810-38,286,811, CC duplicated on the plus strand (GG on the coding strand, the reverse complement: RPGR is on the minus strand); duplicating any 2 consecutive bases within chrX:38,286,810-38,286,812 gives the same sequence; the c. name uses the placement nearest the transcript's 3' end. VCF-style (leftmost placement, unchanged base first): chrX-38286809-T-TCC. GRCh37 (hg19) VCF-style: chrX-38146062-T-TCC.
Other names: c.1569+4148_1569+4149dup (NM_001367249.1, NM_001367250.1); c.1902+283_1902+284dup (NM_001367245.1); c.1386+4148_1386+4149dup (NM_001367251.1); c.1719+283_1719+284dup (NM_001367246.1); c.1572+4148_1572+4149dup (NM_001367247.1); c.1905+283_1905+284dup (NM_000328.3); c.1602+4148_1602+4149dup (NM_001367248.1); short protein forms G731fs.
Identifiers: ClinVar variation 2823914 (VCV002823914.3), dbSNP rs2519793097, ClinGen allele CA2739273393.
Genomic context (GRCh38, chrX:38,286,809, plus strand): 5'-CTCTTCTTCCTCTTCTCTGTCTCCCTCCTCTTCTTCTCCTTCTCCATGCTCCTCCTCCCC[T>TCC]CCCTCCTCCATCTCTTGGTTTCTTTCCTTCTGATGGCCCTGCTCCCTCTCCTTTTGCTCC-3'

ClinVar aggregate classification (germline): Uncertain significance (1 of 4 stars; one submission).

Conditions:
Primary ciliary dyskinesia. Also called: Ciliary dyskinesia. Identifiers: Orphanet 244, MedGen C0008780, MONDO:0016575, HP:0012265.

Submission:

Labcorp Genetics (formerly Invitae), Labcorp
Classification: Uncertain significance for Primary ciliary dyskinesia. Last evaluated: 2022-12-24. Review status: criteria provided, single submitter. Criteria: Invitae Variant Classification Sherloc (09022015). Collection method: clinical testing. Allele origin: germline.
Comment: In summary, the available evidence is currently insufficient to determine the role of this variant in disease. Therefore, it has been classified as a Variant of Uncertain Significance. This premature translational stop signal has been observed in individual(s) with retinitis pigmentosa (Invitae). This variant is not present in population databases (gnomAD no frequency). This sequence change creates a premature translational stop signal (p.Gly731Glufs*85) in the RPGR (ORF15) gene. While this is not anticipated to result in nonsense mediated decay, it is expected to disrupt the last 422 amino acid(s) of the RPGR (ORF15) protein.